The following is an entry in ClinVar:

ClinVar aggregate classification (germline): Uncertain significance (1 of 4 stars; one submission).

Conditions:
Inborn genetic diseases. Identifiers: MedGen C0950123, MeSH D030342.

Submission:

Ambry Genetics
Classification: Uncertain significance for Inborn genetic diseases. Last evaluated: 2016-05-19. Review status: criteria provided, single submitter. Criteria: Ambry Variant Classification Scheme 2023. Collection method: clinical testing. Allele origin: germline.
Comment: The p.Y722C variant (also known as c.2165A>G), located in coding exon 15 of the KDM5C gene, results from an A to G substitution at nucleotide position 2165. The tyrosine at codon 722 is replaced by cysteine, an amino acid with highly dissimilar properties. This variant was not reported in population based cohorts in the following databases: Database of Single Nucleotide Polymorphisms (dbSNP), NHLBI Exome Sequencing Project (ESP), and 1000 Genomes Project. In the ESP, this variant was not observed in 6503 samples with coverage at this position. This amino acid position is not well conserved in available vertebrate species. In addition, the in silico prediction for this alteration is inconclusive. Since supporting evidence is limited at this time, the clinical significance of this alteration remains unclear.

NM_004187.5(KDM5C):c.2165A>G (p.Tyr722Cys)

Gene: KDM5C (lysine demethylase 5C; minus strand). Cytogenetic location: Xp11.22.
Variant type: single nucleotide variant.
Coding change: c.2165A>G on transcript NM_004187.5 (MANE Select); coding-DNA position 2165, A replaced by G.
Protein change: p.Tyr722Cys; replaces tyrosine 722 with cysteine.
Molecular consequence: missense variant. On other transcripts: non-coding transcript variant (3).
Genome position (GRCh38, 1-based): chrX:53,199,055, T>C on the plus strand (A>G on the coding strand, the complement: KDM5C is on the minus strand). VCF-style: chrX-53199055-T-C. GRCh37 (hg19) VCF-style: chrX-53228237-T-C.
Other names: c.1964A>G, p.Tyr655Cys (NM_001146702.2); c.2162A>G, p.Tyr721Cys (NM_001282622.3, NM_001353979.2, NM_001353982.2); c.2165A>G, p.Tyr722Cys (NM_001353978.3, NM_001353981.2, NM_001353984.2); short protein forms Y722C, Y655C, Y721C.
Identifiers: ClinVar variation 587907 (VCV000587907.5), dbSNP rs1569264169, ClinGen allele CA413120150.